The following is an entry in ClinVar:

ClinVar aggregate classification (germline): Likely pathogenic (1 of 4 stars; one submission).

Conditions:
Dilated cardiomyopathy 1HH (CMD1HH). Identifiers: Orphanet 154, MedGen C3151293, MONDO:0013479, OMIM 613881.

Submission:

Molecular Genetics Laboratory, Motol Hospital
Classification: Likely pathogenic for Dilated cardiomyopathy 1HH. Last evaluated: 2026-05-14. Review status: criteria provided, single submitter. Criteria: ACMG Guidelines, 2015. Collection method: clinical testing. Allele origin: germline. Inheritance: Sporadic. Affected: yes. Observed: 1 variant allele, 1 heterozygote.
Comment: Rare variant not present in non-Finnish European population (PM2). Rare truncating variant are associated with BAG3-related disorders, including dilated cardiomyopathy-1HH (CMD1HH) (OMIM:613881) (PVS1). The variant is classified as likely pathogenic.

Literature cited by the submitters: PubMed 30442290; PubMed 36382946.

NM_004281.4(BAG3):c.240_241del (p.Glu81fs)

Gene: BAG3 (BAG cochaperone 3; plus strand). Cytogenetic location: 10q26.11.
Variant type: Deletion.
Coding change: c.240_241del on transcript NM_004281.4 (MANE Select); coding-DNA positions 240 to 241, 2 bases deleted (GG; older notation c.240_241delGG).
Protein change: p.Glu81fs; shifts the reading frame from glutamic acid 81.
Molecular consequence: frameshift variant.
Genome position (GRCh38, 1-based): chr10:119,669,910-119,669,911, GG deleted; deleting any 2 consecutive bases within chr10:119,669,909-119,669,911 gives the same sequence; the c. name uses the placement nearest the transcript's 3' end. VCF-style (leftmost placement, unchanged base first): chr10-119669908-AGG-A. GRCh37 (hg19) VCF-style: chr10-121429420-AGG-A.
Other names: short protein forms E81fs.
Identifiers: ClinVar variation 4851271 (VCV004851271.1).